The following is an entry in ClinVar:

NM_130837.3(OPA1):c.2973G>A (p.Ala991=)

Gene: OPA1 (OPA1 mitochondrial dynamin like GTPase; plus strand). Cytogenetic location: 3q29.
Variant type: single nucleotide variant.
Coding change: c.2973G>A on transcript NM_130837.3 (MANE Select); coding-DNA position 2973, G replaced by A.
Protein change: p.Ala991=; no amino-acid change (alanine 991 retained).
Molecular consequence: synonymous variant.
Genome position (GRCh38, 1-based): chr3:193,667,270, G>A. VCF-style: chr3-193667270-G-A. GRCh37 (hg19) VCF-style: chr3-193385059-G-A.
Other names: p.A936A:GCG>GCA; p.Ala936=; c.2439G>A, p.Ala813= (NM_001354663.2); c.2436G>A, p.Ala812= (NM_001354664.2); c.2808G>A, p.Ala936= (NM_015560.3); c.2700G>A, p.Ala900= (NM_130831.3); c.2754G>A, p.Ala918= (NM_130832.3); c.2811G>A, p.Ala937= (NM_130833.3); and 3 more.
Identifiers: ClinVar variation 138571 (VCV000138571.14), dbSNP rs117475774, ClinGen allele CA292635.

ClinVar aggregate classification (germline): Benign. Review status: criteria provided, multiple submitters, no conflicts (2 of 4 stars). 6 submissions from 6 submitters: Benign (6). Last evaluated 2026-02-02.

Conditions:
Autosomal dominant optic atrophy classic form (OPA1). Also called: KJER-TYPE OPTIC ATROPHY; OPTIC ATROPHY, JUVENILE; Optic Atrophy Type 1. Identifiers: Orphanet 98673, MedGen C0338508, MONDO:0008134, OMIM 165500.

Allele frequency attached by ClinVar (database versions not stated): ESP Exome Variant Server 0.00077; 1000 Genomes Project 30x 0.02358; 1000 Genomes Project 0.02596; gnomAD 0.00742; TOPMed 0.00887.
gnomAD v4.1: 5,914 of 1,541,686 alleles (0.38%); highest among the groups gnomAD compares: East Asian, 9.4%; 205 homozygotes.

Submissions (6):

Labcorp Genetics (formerly Invitae), Labcorp
Classification: Benign. Last evaluated: 2026-02-02. Review status: criteria provided, single submitter. Criteria: Invitae Variant Classification Sherloc (09022015). Collection method: clinical testing. Allele origin: germline.

Athena Diagnostics
Classification: Benign. Last evaluated: 2020-02-12. Review status: criteria provided, single submitter. Criteria: Athena Diagnostics Criteria. Collection method: clinical testing. Allele origin: unknown.

Illumina Laboratory Services, Illumina
Classification: Benign for Autosomal dominant optic atrophy classic form. Last evaluated: 2018-01-13. Review status: criteria provided, single submitter. Criteria: ICSL Variant Classification Criteria 13 December 2019. Collection method: clinical testing. Allele origin: germline.
Comment: This variant was observed in the ICSL laboratory as part of a predisposition screen in an ostensibly healthy population. It had not been previously curated by ICSL or reported in the Human Gene Mutation Database (HGMD: prior to June 1st, 2018), and was therefore a candidate for classification through an automated scoring system. Utilizing variant allele frequency, disease prevalence and penetrance estimates, and inheritance mode, an automated score was calculated to assess if this variant is too frequent to cause the disease. Based on the score and internal cut-off values, a variant classified as benign is not then subjected to further curation. The score for this variant resulted in a classification of benign for this disease.

Mayo Clinic Laboratories, Mayo Clinic
Classification: Benign. Last evaluated: 2017-12-22. Review status: criteria provided, single submitter. Criteria: ACMG Guidelines, 2015. Collection method: clinical testing. Allele origin: germline. Observed: 11 variant alleles.

GeneDx
Classification: Benign. Last evaluated: 2013-01-03. Review status: criteria provided, single submitter. Criteria: GeneDx Variant Classification (06012015). Collection method: clinical testing. Allele origin: germline. Affected: yes.
Comment: This variant is considered likely benign or benign based on one or more of the following criteria: it is a conservative change, it occurs at a poorly conserved position in the protein, it is predicted to be benign by multiple in silico algorithms, and/or has population frequency not consistent with disease.

Breakthrough Genomics
Classification: Benign. Review status: criteria provided, single submitter. Criteria: ACMG Guidelines, 2015. Collection method: not provided. Allele origin: germline. Inheritance: Autosomal recessive inheritance. Affected: yes.

Literature cited by the submitters: PubMed 15948788 (cited by Athena Diagnostics).